The following is an entry in ClinVar:

NM_001083116.3(PRF1):c.701C>T (p.Ser234Leu)

Gene: PRF1 (perforin 1; minus strand). Cytogenetic location: 10q22.1.
Variant type: single nucleotide variant.
Coding change: c.701C>T on transcript NM_001083116.3 (MANE Select); coding-DNA position 701, C replaced by T.
Protein change: p.Ser234Leu; replaces serine 234 with leucine.
Molecular consequence: missense variant.
Genome position (GRCh38, 1-based): chr10:70,599,020, G>A on the plus strand (C>T on the coding strand, the complement: PRF1 is on the minus strand). VCF-style: chr10-70599020-G-A. GRCh37 (hg19) VCF-style: chr10-72358776-G-A.
Other names: c.701C>T, p.Ser234Leu (NM_005041.6); short protein forms S234L.
Identifiers: ClinVar variation 3715349 (VCV003715349.3).
Genomic context (GRCh38, chr10:70,599,020, plus strand): 5'-ACCTCGTTGTCCGTGAGCCCTTCCAGGGCCAGCTCGCAGGTGCGCAGGGCAGTGAGGGCC[G>A]ATATGCGGCCACCCAGCTCCACAGCCCGGATGAAGTGGGTGCCGTAGTTGGAGATAAGCC-3'
Protein context (NP_001076585.1, residues 224-244): IRAVELGGRI[Ser234Leu]ALTALRTCEL

ClinVar aggregate classification (germline): Uncertain significance. Review status: criteria provided, multiple submitters, no conflicts (2 of 4 stars). 2 submissions from 2 submitters: Uncertain significance (2). Last evaluated 2025-03-06.

Conditions:
Inborn genetic diseases. Identifiers: MedGen C0950123, MeSH D030342.
Familial hemophagocytic lymphohistiocytosis 2 (FHL2). Also called: PRF1-Related Familial Hemophagocytic Lymphohistiocytosis (PRF1-fHLH). Identifiers: Orphanet 540, MedGen C1863727, MONDO:0011337, OMIM 603553.

Submissions (2):

Ambry Genetics
Classification: Uncertain significance for Inborn genetic diseases. Last evaluated: 2025-03-06. Review status: criteria provided, single submitter. Criteria: Ambry Variant Classification Scheme 2023. Collection method: clinical testing. Allele origin: germline.

Labcorp Genetics (formerly Invitae), Labcorp
Classification: Uncertain significance for Familial hemophagocytic lymphohistiocytosis 2. Last evaluated: 2024-02-24. Review status: criteria provided, single submitter. Criteria: Invitae Variant Classification Sherloc (09022015). Collection method: clinical testing. Allele origin: germline.
Comment: This sequence change replaces serine, which is neutral and polar, with leucine, which is neutral and non-polar, at codon 234 of the PRF1 protein (p.Ser234Leu). The frequency data for this variant in the population databases is considered unreliable, as metrics indicate poor data quality at this position in the gnomAD database. This variant has not been reported in the literature in individuals affected with PRF1-related conditions. Algorithms developed to predict the effect of missense changes on protein structure and function output the following: SIFT: "Not Available"; PolyPhen-2: "Benign"; Align-GVGD: "Not Available". The leucine amino acid residue is found in multiple mammalian species, which suggests that this missense change does not adversely affect protein function. In summary, the available evidence is currently insufficient to determine the role of this variant in disease. Therefore, it has been classified as a Variant of Uncertain Significance.